The following is an entry in ClinVar:

ClinVar aggregate classification (germline): Uncertain significance (1 of 4 stars; one submission).

Submission:

GeneDx
Classification: Uncertain significance. Last evaluated: 2023-03-21. Review status: criteria provided, single submitter. Criteria: GeneDx Variant Classification Process June 2021. Collection method: clinical testing. Allele origin: germline. Affected: yes.
Comment: Not observed at significant frequency in large population cohorts (gnomAD); In-frame deletion of 1 amino acids in a non-repeat region; In silico analysis supports a deleterious effect on protein structure/function; Has not been previously published as pathogenic or benign to our knowledge

NM_001020658.2(PUM1):c.1877AGC[1] (p.Gln627del)

Gene: PUM1 (pumilio RNA binding family member 1; minus strand). Cytogenetic location: 1p35.2.
Variant type: Microsatellite.
Coding change: c.1877AGC[1] on transcript NM_001020658.2 (MANE Select); one copy of the 3-base unit AGC starting at c.1877; the reference has two copies in a row; one copy, 3 bases deleted.
Protein change: p.Gln627del; deletes glutamine 627.
Molecular consequence: inframe deletion.
Genome position (GRCh38, 1-based): chr1:30,966,186-30,966,188, GCT deleted on the plus strand (AGC on the coding strand, the reverse complement: PUM1 is on the minus strand); deleting any 3 consecutive bases within chr1:30,966,186-30,966,192 gives the same sequence; the position shown is the placement nearest the transcript's 3' end. VCF-style (leftmost placement, unchanged base first): chr1-30966185-GGCT-G. GRCh37 (hg19) VCF-style: chr1-31439032-GGCT-G.
Other names: c.1877AGC[1], p.Gln627del (NM_014676.3); short protein forms Q627del.
Identifiers: ClinVar variation 2580519 (VCV002580519.1), dbSNP rs2521564114, ClinGen allele CA2580618188.